The following is an entry in ClinVar:

NM_183075.3(CYP2U1):c.200C>T (p.Pro67Leu)

Genes: CYP2U1-AS1 (CYP2U1 and SGMS2 antisense RNA 1; minus strand), CYP2U1 (cytochrome P450 family 2 subfamily U member 1; plus strand). Cytogenetic location: 4q25.
Variant type: single nucleotide variant.
Coding change: c.200C>T on transcript NM_183075.3 (MANE Select); coding-DNA position 200, C replaced by T.
Protein change: p.Pro67Leu; replaces proline 67 with leucine.
Molecular consequence: missense variant.
Genome position (GRCh38, 1-based): chr4:107,931,843, C>T. VCF-style: chr4-107931843-C-T. GRCh37 (hg19) VCF-style: chr4-108852999-C-T.
Other names: short protein forms P67L.
Identifiers: ClinVar variation 859667 (VCV000859667.6), dbSNP rs1286338215, ClinGen allele CA357831926.
Genomic context (GRCh38, chr4:107,931,843, plus strand): 5'-GCTGGAGCTGGCTGCGGAGGCGCCGGGCGCGGGGCATCCCGCCCGGGCCCACGCCCTGGC[C>T]TCTGGTGGGCAACTTCGGTCACGTGCTGCTGCCTCCCTTCCTCCGGCGGCGGAGCTGGCT-3'
Protein context (NP_898898.1, residues 57-77): RGIPPGPTPW[Pro67Leu]LVGNFGHVLL

ClinVar aggregate classification (germline): Uncertain significance (1 of 4 stars; one submission).

Conditions:
Spastic paraplegia. Identifiers: MedGen C0037772, HP:0001258.

Allele frequency attached by ClinVar (database versions not stated): gnomAD 0.00002 and 0.00001; gnomAD exomes 0.00004 and below 0.00001; TOPMed 0.00002.
gnomAD v4.1: 10 of 1,542,042 alleles (0.00065%); highest among the groups gnomAD compares: East Asian, 0.017%; no homozygotes.

Submission:

Labcorp Genetics (formerly Invitae), Labcorp
Classification: Uncertain significance for Spastic paraplegia. Last evaluated: 2019-01-02. Review status: criteria provided, single submitter. Criteria: Invitae Variant Classification Sherloc (09022015). Collection method: clinical testing. Allele origin: germline.
Comment: This sequence change replaces proline with leucine at codon 67 of the CYP2U1 protein (p.Pro67Leu). The proline residue is highly conserved and there is a moderate physicochemical difference between proline and leucine. In summary, the available evidence is currently insufficient to determine the role of this variant in disease. Therefore, it has been classified as a Variant of Uncertain Significance. Algorithms developed to predict the effect of missense changes on protein structure and function are either unavailable or do not agree on the potential impact of this missense change (SIFT: "Deleterious"; PolyPhen-2: "Probably Damaging"; Align-GVGD: "Class C0"). This variant has not been reported in the literature in individuals with CYP2U1-related conditions. The frequency data for this variant in the population databases is considered unreliable, as metrics indicate insufficient coverage at this position in the ExAC database.